The following is an entry in ClinVar:

NM_001197104.2(KMT2A):c.4432C>A (p.Arg1478Ser)

Gene: KMT2A (lysine methyltransferase 2A; plus strand). Cytogenetic location: 11q23.3.
Variant type: single nucleotide variant.
Coding change: c.4432C>A on transcript NM_001197104.2 (MANE Select); coding-DNA position 4432, C replaced by A.
Protein change: p.Arg1478Ser; replaces arginine 1478 with serine.
Molecular consequence: missense variant.
Genome position (GRCh38, 1-based): chr11:118,488,713, C>A. VCF-style: chr11-118488713-C-A. GRCh37 (hg19) VCF-style: chr11-118359428-C-A.
Other names: c.4531C>A, p.Arg1511Ser (NM_001412597.1); c.4432C>A, p.Arg1478Ser (NM_005933.4); short protein forms R1478S, R1511S.
Identifiers: ClinVar variation 3372108 (VCV003372108.1).

ClinVar aggregate classification (germline): Uncertain significance (1 of 4 stars; one submission).

Submission:

GeneDx
Classification: Uncertain significance. Last evaluated: 2024-04-05. Review status: criteria provided, single submitter. Criteria: GeneDx Variant Classification Process June 2021. Collection method: clinical testing. Allele origin: germline. Affected: yes.
Comment: Not observed at significant frequency in large population cohorts (gnomAD); In silico analysis supports that this missense variant has a deleterious effect on protein structure/function; Has not been previously published as pathogenic or benign to our knowledge